The following is an entry in ClinVar:

ClinVar aggregate classification (germline): Likely benign. Review status: criteria provided, single submitter (1 of 4 stars). 2 submissions from 2 submitters: Likely benign (1). 1 of the submissions does not count toward it. Last evaluated 2025-06-18.

Conditions:
Bethlem myopathy 1A. Also called: Bethlem myopathy 1; MYOPATHY, BENIGN CONGENITAL, WITH CONTRACTURES; Bethlem Muscular Dystrophy. Identifiers: Orphanet 610, MedGen CN029274, MONDO:0024530, OMIM 158810.
COL6A3-related disorder. Also called: COL6A3-related disorders; COL6A3-related condition.

Allele frequency attached by ClinVar (database versions not stated): ExAC 0.00002; gnomAD exomes 0.00002 and 0.00004; gnomAD 0.00003 and 0.00005; TOPMed 0.00003.
gnomAD v4.1: 66 of 1,614,214 alleles (0.0041%); highest among the groups gnomAD compares: Middle Eastern, 0.016%; no homozygotes.

Submissions (2):

Labcorp Genetics (formerly Invitae), Labcorp
Classification: Likely benign for Bethlem myopathy 1A. Last evaluated: 2025-06-18. Review status: criteria provided, single submitter. Criteria: Invitae Variant Classification Sherloc (09022015). Collection method: clinical testing. Allele origin: germline.

PreventionGenetics, part of Exact Sciences
Classification: Likely benign for COL6A3-related condition. Last evaluated: 2024-09-27. Review status: no assertion criteria provided. Collection method: clinical testing. Allele origin: germline. Not counted in ClinVar's aggregate classification.
Comment: This variant is classified as likely benign based on ACMG/AMP sequence variant interpretation guidelines (Richards et al. 2015 PMID: 25741868, with internal and published modifications).

NM_004369.4(COL6A3):c.5769C>T (p.Tyr1923=)

Gene: COL6A3 (collagen type VI alpha 3 chain; minus strand). Cytogenetic location: 2q37.3.
Variant type: single nucleotide variant.
Coding change: c.5769C>T on transcript NM_004369.4 (MANE Select); coding-DNA position 5769, C replaced by T.
Protein change: p.Tyr1923=; no amino-acid change (tyrosine 1923 retained).
Molecular consequence: synonymous variant.
Genome position (GRCh38, 1-based): chr2:237,365,767, G>A on the plus strand (C>T on the coding strand, the complement: COL6A3 is on the minus strand). VCF-style: chr2-237365767-G-A. GRCh37 (hg19) VCF-style: chr2-238274410-G-A.
Other names: c.5769C>T (NM_004369.3); c.3948C>T, p.Tyr1316= (NM_057166.5); c.5151C>T, p.Tyr1717= (NM_057167.4).
Identifiers: ClinVar variation 1629471 (VCV001629471.9), dbSNP rs751915461, ClinGen allele CA2188584.